The following is an entry in ClinVar:

ClinVar aggregate classification (germline): Pathogenic. Review status: criteria provided, multiple submitters, no conflicts (2 of 4 stars). 2 submissions from 2 submitters: Pathogenic (2). Last evaluated 2025-02-19.

Conditions:
ADAMTSL4-related disorder. Also called: ADAMTSL4-Related Disorders; ADAMTSL4-related condition.

Submissions (2):

Labcorp Genetics (formerly Invitae), Labcorp
Classification: Pathogenic. Last evaluated: 2025-02-19. Review status: criteria provided, single submitter. Criteria: Invitae Variant Classification Sherloc (09022015). Collection method: clinical testing. Allele origin: germline.
Comment: This sequence change creates a premature translational stop signal (p.Ser832Glnfs*6) in the ADAMTSL4 gene. It is expected to result in an absent or disrupted protein product. Loss-of-function variants in ADAMTSL4 are known to be pathogenic (PMID: 20564469, 28642162). This variant is present in population databases (rs763535661, gnomAD 0.003%). This variant has not been reported in the literature in individuals affected with ADAMTSL4-related conditions. ClinVar contains an entry for this variant (Variation ID: 2984781). For these reasons, this variant has been classified as Pathogenic.

Blueprint Genetics
Classification: Pathogenic for ADAMTSL4-related disorders. Last evaluated: 2024-09-11. Review status: criteria provided, single submitter. Criteria: ACMG Guidelines, 2015. Collection method: clinical testing. Allele origin: germline. Affected: yes. Observed: 2 variant alleles.

Literature cited by the submitters: PubMed 20564469 (cited by Labcorp Genetics (formerly Invitae), Labcorp); PubMed 28642162 (cited by Labcorp Genetics (formerly Invitae), Labcorp).

NM_019032.6(ADAMTSL4):c.2493dup (p.Ser832fs)

Gene: ADAMTSL4 (ADAMTS like 4; plus strand). Cytogenetic location: 1q21.2.
Variant type: Duplication.
Coding change: c.2493dup on transcript NM_019032.6 (MANE Select); coding-DNA position 2493, one base duplicated (C; older notation c.2493dupC).
Protein change: p.Ser832fs; shifts the reading frame from serine 832.
Molecular consequence: frameshift variant.
Genome position (GRCh38, 1-based): chr1:150,558,583, C duplicated; the last of 6 consecutive C bases (chr1:150,558,578-150,558,583); duplicating any one gives the same sequence. VCF-style (leftmost placement, unchanged base first): chr1-150558577-G-GC. GRCh37 (hg19) VCF-style: chr1-150531053-G-GC.
Other names: c.2376dup, p.Ser793fs (NM_001288607.2); c.2562dup, p.Ser855fs (NM_001288608.2); c.2493dup, p.Ser832fs (NM_001378596.1, NM_025008.5); short protein forms S855fs, S793fs, S832fs.
Identifiers: ClinVar variation 2984781 (VCV002984781.4), dbSNP rs763535661, ClinGen allele CA1078700.